The following is an entry in ClinVar:

ClinVar aggregate classification (germline): Pathogenic (1 of 4 stars; one submission).

Conditions:
Dent disease type 1 (DENT1). Also called: NEPHROLITHIASIS 2; NEPHROLITHIASIS, HYPERCALCIURIC, X-LINKED. Identifiers: Orphanet 1652, Orphanet 93622, MedGen C1848336, MONDO:0010225, OMIM 300009.

Submission:

Victorian Clinical Genetics Services, Murdoch Childrens Research Institute
Classification: Pathogenic for Dent disease type 1. Last evaluated: 2022-06-24. Review status: criteria provided, single submitter. Criteria: ACMG Guidelines, 2015. Collection method: clinical testing. Allele origin: germline. Inheritance: X-linked recessive inheritance.
Comment: Based on the classification scheme VCGS_Germline_v1.3.4, this variant is classified as Pathogenic. Following criteria are met: 0102 - Loss of function is a known mechanism of disease in this gene and is associated with CLCN5-related disease (OMIM). (I) 0109 - This gene is associated with X-linked recessive disease. Dent disease (MIM#300009) is now the generally accepted name for a group of hereditary tubular disorders including X-linked recessive nephrolithiasis type I (MIM#310468), hypophosphataemic rickets (MIM#300554), and low molecular weight proteinuria with hypercalciuric nephrocalcinosis (MIM#308990) (PMID: 12637640). Dent disease (MIM#300009) mainly affects males; however female carriers may show a milder phenotype (PMID: 28580211). (I) 0115 - Variants in this gene are known to have variable expressivity. The phenotype can be variable within and between families (PMID: 28580211, PMID: 32289351). (I) 0201 - Variant is predicted to cause nonsense-mediated decay (NMD) and loss of protein (premature termination codon is located at least 54 nucleotides upstream of the final exon-exon junction). (SP) 0253 - This variant is hemizygous. (I) 0301 - Variant is absent from gnomAD (both v2 and v3). (SP) 0701 - Other NMD-predicted variants comparable to the one identified in this case have very strong previous evidence for pathogenicity. These variants have been reported many times as pathogenic, and observed in individuals with CLCN5-related disease (DECIPHER, PMID: 32289351). (SP) 0807 - This variant has no previous evidence of pathogenicity. (I) 0905 - No published segregation evidence has been identified for this variant. (I) 1007 - No published functional evidence has been identified for this variant. (I) 1208 - Inheritance information for this variant is not currently available in this individual. (I) Legend: (SP) - Supporting pathogenic, (I) - Information, (SB) - Supporting benign

Literature cited by the submitters: PubMed 12637640; PubMed 28580211; PubMed 32289351.

NM_001127898.4(CLCN5):c.1012G>T (p.Glu338Ter)

Gene: CLCN5 (Cl-/H+ antiporter 5; plus strand). Cytogenetic location: Xp11.23.
Variant type: single nucleotide variant.
Coding change: c.1012G>T on transcript NM_001127898.4 (MANE Select); coding-DNA position 1012, G replaced by T.
Protein change: p.Glu338Ter; replaces glutamic acid 338 with a stop codon.
Molecular consequence: nonsense.
Genome position (GRCh38, 1-based): chrX:50,086,058, G>T. VCF-style: chrX-50086058-G-T. GRCh37 (hg19) VCF-style: chrX-49850715-G-T.
Other names: c.802G>T, p.Glu268Ter (NM_000084.5); c.1012G>T, p.Glu338Ter (NM_001127899.4); c.862G>T, p.Glu288Ter (NM_001282163.2); short protein forms E268*, E288*, E338*.
Identifiers: ClinVar variation 975095 (VCV000975095.4), dbSNP rs1933873534, ClinGen allele CA413184987.